The following is an entry in ClinVar:

NM_001291088.2(WDR87):c.6855GGA[3] (p.Glu2289del)

Gene: WDR87 (WD repeat domain 87; minus strand). Cytogenetic location: 19q13.13.
Variant type: Microsatellite.
Coding change: c.6855GGA[3] on transcript NM_001291088.2 (MANE Select); three copies in a row of the 3-base unit GGA starting at c.6855; the reference has four copies in a row; one copy, 3 bases deleted.
Protein change: p.Glu2289del; deletes glutamic acid 2289.
Molecular consequence: inframe deletion.
Genome position (GRCh38, 1-based): chr19:37,886,805-37,886,807, TCC deleted on the plus strand (GGA on the coding strand, the reverse complement: WDR87 is on the minus strand); deleting any 3 consecutive bases within chr19:37,886,805-37,886,818 gives the same sequence; the position shown is the placement nearest the transcript's 3' end. VCF-style (leftmost placement, unchanged base first): chr19-37886804-TTCC-T. GRCh37 (hg19) VCF-style: chr19-38377444-TTCC-T.
Other names: c.6738GGA[3], p.Glu2250del (NM_031951.5); short protein forms E2250del, E2289del.
Identifiers: ClinVar variation 4750203 (VCV004750203.1).

ClinVar aggregate classification (germline): Uncertain significance (1 of 4 stars; one submission).

Submission:

Labcorp Genetics (formerly Invitae), Labcorp
Classification: Uncertain significance. Last evaluated: 2025-05-28. Review status: criteria provided, single submitter. Criteria: Invitae Variant Classification Sherloc (09022015). Collection method: clinical testing. Allele origin: germline.
Comment: This variant, c.6747_6749del, results in the deletion of 1 amino acid(s) of the WDR87 protein (p.Glu2250del), but otherwise preserves the integrity of the reading frame. The frequency data for this variant in the population databases is considered unreliable, as metrics indicate poor data quality at this position in the gnomAD database. This variant has not been reported in the literature in individuals affected with WDR87-related conditions. Experimental studies and prediction algorithms are not available or were not evaluated, and the functional significance of this variant is currently unknown. In summary, the available evidence is currently insufficient to determine the role of this variant in disease. Therefore, it has been classified as a Variant of Uncertain Significance.